The following is an entry in ClinVar:

NM_001845.6(COL4A1):c.1663C>A (p.Pro555Thr)

Gene: COL4A1 (collagen type IV alpha 1 chain; minus strand). Cytogenetic location: 13q34.
Variant type: single nucleotide variant.
Coding change: c.1663C>A on transcript NM_001845.6 (MANE Select); coding-DNA position 1663, C replaced by A.
Protein change: p.Pro555Thr; replaces proline 555 with threonine.
Molecular consequence: missense variant.
Genome position (GRCh38, 1-based): chr13:110,187,203, G>T on the plus strand (C>A on the coding strand, the complement: COL4A1 is on the minus strand). VCF-style: chr13-110187203-G-T. GRCh37 (hg19) VCF-style: chr13-110839550-T-T.
Other names: short protein forms P555T.
Identifiers: ClinVar variation 2854474 (VCV002854474.3), dbSNP rs536174, ClinGen allele CA256265449.

ClinVar aggregate classification (germline): Uncertain significance (1 of 4 stars; one submission).

Allele frequency attached by ClinVar (database versions not stated): gnomAD exomes below 0.00001; gnomAD 0.00001; TOPMed 0.00003.
gnomAD v4.1: 3 of 1,613,846 alleles (0.00019%); highest among the groups gnomAD compares: African/African-American, 0.004%; no homozygotes.

Submission:

Labcorp Genetics (formerly Invitae), Labcorp
Classification: Uncertain significance. Last evaluated: 2023-10-22. Review status: criteria provided, single submitter. Criteria: Invitae Variant Classification Sherloc (09022015). Collection method: clinical testing. Allele origin: germline.
Comment: This sequence change replaces proline, which is neutral and non-polar, with threonine, which is neutral and polar, at codon 555 of the COL4A1 protein (p.Pro555Thr). This variant is not present in population databases (gnomAD no frequency). This variant has not been reported in the literature in individuals affected with COL4A1-related conditions. Experimental studies and prediction algorithms are not available or were not evaluated, and the functional significance of this variant is currently unknown. In summary, the available evidence is currently insufficient to determine the role of this variant in disease. Therefore, it has been classified as a Variant of Uncertain Significance.